The following is an entry in ClinVar:

ClinVar aggregate classification (germline): Uncertain significance (1 of 4 stars; one submission).

Submission:

CeGaT Center for Human Genetics Tuebingen
Classification: Uncertain significance. Last evaluated: 2022-06-01. Review status: criteria provided, single submitter. Criteria: CeGaT Center For Human Genetics Tuebingen Variant Classification Criteria Version 2. Collection method: clinical testing. Allele origin: germline. Affected: yes. Observed: 1 variant allele.
Comment: TTN: PM2, PP3

NM_001267550.2(TTN):c.25007G>A (p.Cys8336Tyr)

Gene: TTN (titin; minus strand). Cytogenetic location: 2q31.2.
Variant type: single nucleotide variant.
Coding change: c.25007G>A on transcript NM_001267550.2 (MANE Select); coding-DNA position 25007, G replaced by A.
Protein change: p.Cys8336Tyr; replaces cysteine 8336 with tyrosine.
Molecular consequence: missense variant. On other transcripts: intron variant (3).
Genome position (GRCh38, 1-based): chr2:178,717,999, C>T on the plus strand (G>A on the coding strand, the complement: TTN is on the minus strand). VCF-style: chr2-178717999-C-T. GRCh37 (hg19) VCF-style: chr2-179582726-C-T.
Other names: c.21275G>A, p.Cys7092Tyr (NM_133378.4); c.13282+20083G>A (NM_003319.4); c.13858+20083G>A (NM_133437.4); c.13657+20083G>A (NM_133432.3); c.24056G>A, p.Cys8019Tyr (NM_001256850.1); short protein forms C7092Y, C8019Y, C8336Y.
Identifiers: ClinVar variation 1694994 (VCV001694994.31), dbSNP rs2154299293, ClinGen allele CA349490866.